The following is an entry in ClinVar:

ClinVar aggregate classification (germline): Benign (0 of 4 stars; one submission).

Conditions:
SCN7A-related disorder. Also called: SCN7A-related condition.

Allele frequency attached by ClinVar (database versions not stated): ESP Exome Variant Server 0.00050; gnomAD exomes 0.00466; gnomAD 0.00568; TOPMed 0.00584; 1000 Genomes Project 30x 0.02092; ExAC 0.02126; 1000 Genomes Project 0.02236.
gnomAD v4.1: 7,574 of 1,572,534 alleles (0.48%); highest among the groups gnomAD compares: East Asian, 12%; 362 homozygotes.

Submission:

PreventionGenetics, part of Exact Sciences
Classification: Benign for SCN7A-related condition. Last evaluated: 2019-12-09. Review status: no assertion criteria provided. Collection method: clinical testing. Allele origin: germline.
Comment: This variant is classified as benign based on ACMG/AMP sequence variant interpretation guidelines (Richards et al. 2015 PMID: 25741868, with internal and published modifications).

NM_002976.4(SCN7A):c.3813C>T (p.Asp1271=)

Gene: SCN7A (sodium voltage-gated channel alpha subunit 7; minus strand). Cytogenetic location: 2q24.3.
Variant type: single nucleotide variant.
Coding change: c.3813C>T on transcript NM_002976.4 (MANE Select); coding-DNA position 3813, C replaced by T.
Protein change: p.Asp1271=; no amino-acid change (aspartic acid 1271 retained).
Molecular consequence: synonymous variant. On other transcripts: non-coding transcript variant (1).
Genome position (GRCh38, 1-based): chr2:166,409,834, G>A on the plus strand (C>T on the coding strand, the complement: SCN7A is on the minus strand). VCF-style: chr2-166409834-G-A. GRCh37 (hg19) VCF-style: chr2-167266344-G-A.
Identifiers: ClinVar variation 3041331 (VCV003041331.2), dbSNP rs77460880, ClinGen allele CA1945177.